The following is an entry in ClinVar:

NM_014319.5(LEMD3):c.305G>A (p.Arg102Gln)

Genes: LEMD3 (LEM domain containing 3; plus strand), LOC130008224 (ATAC-STARR-seq lymphoblastoid silent region 4630; plus strand). Cytogenetic location: 12q14.3.
Variant type: single nucleotide variant.
Coding change: c.305G>A on transcript NM_014319.5 (MANE Select); coding-DNA position 305, G replaced by A.
Protein change: p.Arg102Gln; replaces arginine 102 with glutamine.
Molecular consequence: missense variant.
Genome position (GRCh38, 1-based): chr12:65,169,901, G>A. VCF-style: chr12-65169901-G-A. GRCh37 (hg19) VCF-style: chr12-65563681-G-A.
Other names: c.305G>A, p.Arg102Gln (NM_001167614.2); short protein forms R102Q.
Identifiers: ClinVar variation 1974713 (VCV001974713.5), dbSNP rs1868460569, ClinGen allele CA385672540.

ClinVar aggregate classification (germline): Uncertain significance (1 of 4 stars; one submission).

Allele frequency attached by ClinVar (database versions not stated): gnomAD exomes below 0.00001.
gnomAD v4.1: 6 of 1,449,480 alleles (0.00041%); highest among the groups gnomAD compares: Non-Finnish European, 0.00054%; no homozygotes.

Submission:

Labcorp Genetics (formerly Invitae), Labcorp
Classification: Uncertain significance. Last evaluated: 2022-04-20. Review status: criteria provided, single submitter. Criteria: Invitae Variant Classification Sherloc (09022015). Collection method: clinical testing. Allele origin: germline.
Comment: This variant has not been reported in the literature in individuals affected with LEMD3-related conditions. This variant is not present in population databases (gnomAD no frequency). This sequence change replaces arginine, which is basic and polar, with glutamine, which is neutral and polar, at codon 102 of the LEMD3 protein (p.Arg102Gln). Algorithms developed to predict the effect of missense changes on protein structure and function are either unavailable or do not agree on the potential impact of this missense change (SIFT: "Tolerated"; PolyPhen-2: "Probably Damaging"; Align-GVGD: "Class C0"). In summary, the available evidence is currently insufficient to determine the role of this variant in disease. Therefore, it has been classified as a Variant of Uncertain Significance.